The following is an entry in ClinVar:

ClinVar aggregate classification (germline): Uncertain significance (1 of 4 stars; one submission).

Submission:

Labcorp Genetics (formerly Invitae), Labcorp
Classification: Uncertain significance. Last evaluated: 2023-12-07. Review status: criteria provided, single submitter. Criteria: Invitae Variant Classification Sherloc (09022015). Collection method: clinical testing. Allele origin: germline.
Comment: This sequence change replaces serine, which is neutral and polar, with proline, which is neutral and non-polar, at codon 487 of the ARHGAP31 protein (p.Ser487Pro). This variant is not present in population databases (gnomAD no frequency). This variant has not been reported in the literature in individuals affected with ARHGAP31-related conditions. An algorithm developed to predict the effect of missense changes on protein structure and function (PolyPhen-2) suggests that this variant is likely to be disruptive. In summary, the available evidence is currently insufficient to determine the role of this variant in disease. Therefore, it has been classified as a Variant of Uncertain Significance.

NM_020754.4(ARHGAP31):c.1459T>C (p.Ser487Pro)

Gene: ARHGAP31 (Rho GTPase activating protein 31; plus strand). Cytogenetic location: 3q13.33.
Variant type: single nucleotide variant.
Coding change: c.1459T>C on transcript NM_020754.4 (MANE Select); coding-DNA position 1459, T replaced by C.
Protein change: p.Ser487Pro; replaces serine 487 with proline.
Molecular consequence: missense variant.
Genome position (GRCh38, 1-based): chr3:119,402,211, T>C. VCF-style: chr3-119402211-T-C. GRCh37 (hg19) VCF-style: chr3-119121058-T-C.
Other names: short protein forms S487P.
Identifiers: ClinVar variation 2700881 (VCV002700881.3), dbSNP rs2472860436, ClinGen allele CA354039530.